The following is an entry in ClinVar:

NM_006361.6(HOXB13):c.10G>A (p.Gly4Ser)

Gene: HOXB13 (homeobox B13; minus strand). Cytogenetic location: 17q21.32.
Variant type: single nucleotide variant.
Coding change: c.10G>A on transcript NM_006361.6 (MANE Select); coding-DNA position 10, G replaced by A.
Protein change: p.Gly4Ser; replaces glycine 4 with serine.
Molecular consequence: missense variant.
Genome position (GRCh38, 1-based): chr17:48,728,584, C>T on the plus strand (G>A on the coding strand, the complement: HOXB13 is on the minus strand). VCF-style: chr17-48728584-C-T. GRCh37 (hg19) VCF-style: chr17-46805946-C-T.
Other names: short protein forms G4S.
Identifiers: ClinVar variation 3225531 (VCV003225531.1), dbSNP rs1567701724, ClinGen allele CA400109993.
Genomic context (GRCh38, chr17:48,728,584, plus strand): 5'-CCCCTCCCGCTCCCAGCAAGCCTTCGATATCCTTGGCTCCATCCAAGGTGGCATAATTGC[C>T]GGGCTCCATGGAGCCGAGGGTCGGCTCATGAGGTGCGGGGGCGGGGAATCTAGGGGGCAC-3'
Protein context (NP_006352.2, residues 1-14): MEP[Gly4Ser]NYATLDGAKD

ClinVar aggregate classification (germline): Uncertain significance (1 of 4 stars; one submission).

Conditions:
Hereditary cancer-predisposing syndrome. Also called: Neoplastic Syndromes, Hereditary; Tumor predisposition; Hereditary neoplastic syndrome; Hereditary Cancer Syndrome. Identifiers: Orphanet 140162, MedGen C0027672, MeSH D009386, MONDO:0015356.

Allele frequency attached by ClinVar (database versions not stated): gnomAD exomes below 0.00001.

Submission:

Ambry Genetics
Classification: Uncertain significance for Hereditary cancer-predisposing syndrome. Last evaluated: 2023-12-16. Review status: criteria provided, single submitter. Criteria: Ambry Variant Classification Scheme 2023. Collection method: clinical testing. Allele origin: germline.
Comment: The p.G4S variant (also known as c.10G>A), located in coding exon 1 of the HOXB13 gene, results from a G to A substitution at nucleotide position 10. The glycine at codon 4 is replaced by serine, an amino acid with similar properties. This amino acid position is conserved. In addition, this alteration is predicted to be tolerated by in silico analysis. Since supporting evidence is limited at this time, the clinical significance of this alteration remains unclear.